The following is an entry in ClinVar:

ClinVar aggregate classification (germline): Uncertain significance. Review status: criteria provided, multiple submitters, no conflicts (2 of 4 stars). 4 submissions from 4 submitters: Uncertain significance (4). Last evaluated 2024-06-17.

Conditions:
Cardiac arrhythmia. Also called: Cardiac rhythm disease; Arrhythmia. Identifiers: MedGen C0003811, MONDO:0007263, HP:0011675.
Long QT syndrome (LQTS). Identifiers: MedGen C0023976, MeSH D008133, MONDO:0002442. Disease mechanism: loss of function. Inheritance: Various modes of inheritance.

gnomAD v4.1: 9 of 1,613,836 alleles (0.00056%); highest among the groups gnomAD compares: Non-Finnish European, 0.00076%; no homozygotes.

Submissions (4):

All of Us Research Program, National Institutes of Health
Classification: Uncertain significance for Long QT syndrome. Last evaluated: 2024-06-17. Review status: criteria provided, single submitter. Criteria: ACMG Guidelines, 2015. Collection method: clinical testing. Allele origin: germline. Inheritance: Autosomal dominant inheritance. Observed: 1 variant allele, 1 heterozygote.
Comment: This missense variant replaces leucine with valine at codon 282 of the KCNQ1 protein. This variant is found within a highly conserved region in transmembrane domain S5 (a.a. a.a. 262-282). Rare non-truncating variants in this region have been shown to be significantly overrepresented in individuals with long QT syndrome (PMID: 32893267). Computational prediction suggests that this variant may have deleterious impact on protein structure and function (internally defined REVEL score threshold >= 0.7, PMID: 27666373). To our knowledge, functional studies have not been reported for this variant. This variant has not been reported in individuals affected with KCNQ1-related disorders in the literature. This variant has not been identified in the general population by the Genome Aggregation Database (gnomAD). The available evidence is insufficient to determine the role of this variant in disease conclusively. Therefore, this variant is classified as a Variant of Uncertain Significance.

This study involves interpretation of variants in research participants for the purpose of population health screening. Participant phenotype was not available at the time of variant classification. Additional details can be found in publication PMID: 35346344, PMCID: PMC8962531

Color Diagnostics, LLC DBA Color Health
Classification: Uncertain significance for Cardiac arrhythmia. Last evaluated: 2023-10-02. Review status: criteria provided, single submitter. Criteria: ACMG Guidelines, 2015. Collection method: clinical testing. Allele origin: germline.
Comment: This missense variant replaces leucine with valine at codon 282 of the KCNQ1 protein. This variant is found within a highly conserved region in transmembrane domain S5 (a.a. a.a. 262-282). Rare non-truncating variants in this region have been shown to be significantly overrepresented in individuals with long QT syndrome (PMID: 32893267). Computational prediction suggests that this variant may have deleterious impact on protein structure and function (internally defined REVEL score threshold >= 0.7, PMID: 27666373). To our knowledge, functional studies have not been reported for this variant. This variant has not been reported in individuals affected with KCNQ1-related disorders in the literature. This variant has not been identified in the general population by the Genome Aggregation Database (gnomAD). The available evidence is insufficient to determine the role of this variant in disease conclusively. Therefore, this variant is classified as a Variant of Uncertain Significance.

AiLife Diagnostics
Classification: Uncertain significance. Last evaluated: 2022-01-11. Review status: criteria provided, single submitter. Criteria: ACMG Guidelines, 2015. Collection method: clinical testing. Allele origin: germline. Affected: yes. Observed: 1 variant allele.

GeneDx
Classification: Uncertain significance. Last evaluated: 2020-01-08. Review status: criteria provided, single submitter. Criteria: GeneDx Variant Classification Process June 2021. Collection method: clinical testing. Allele origin: germline. Affected: yes.
Comment: Has not been previously published as pathogenic or benign to our knowledge; Not observed in large population cohorts (Lek et al., 2016); In silico analysis supports that this missense variant has a deleterious effect on protein structure/function

Literature cited by the submitters: PubMed 32893267 (cited by All of Us Research Program, National Institutes of Health and Color Diagnostics, LLC DBA Color Health).

NM_000218.3(KCNQ1):c.844C>G (p.Leu282Val)

Gene: KCNQ1 (potassium voltage-gated channel subfamily Q member 1; plus strand). Cytogenetic location: 11p15.5.
Variant type: single nucleotide variant.
Coding change: c.844C>G on transcript NM_000218.3 (MANE Select); coding-DNA position 844, C replaced by G.
Protein change: p.Leu282Val; replaces leucine 282 with valine.
Molecular consequence: missense variant.
Genome position (GRCh38, 1-based): chr11:2,572,909, C>G. VCF-style: chr11-2572909-C-G. GRCh37 (hg19) VCF-style: chr11-2594139-C-G.
Other names: c.844C>G, p.Leu282Val (NM_001406836.1); c.574C>G, p.Leu192Val (NM_001406837.1); c.463C>G, p.Leu155Val (NM_181798.2); short protein forms L155V, L282V, L192V.
Identifiers: ClinVar variation 919046 (VCV000919046.12), dbSNP rs979241598, ClinGen allele CA216312678.